The following is an entry in ClinVar:

NM_052947.4(ALPK2):c.6248G>A (p.Gly2083Asp)

Gene: ALPK2 (alpha kinase 2; minus strand). Cytogenetic location: 18q21.31.
Variant type: single nucleotide variant.
Coding change: c.6248G>A on transcript NM_052947.4 (MANE Select); coding-DNA position 6248, G replaced by A.
Protein change: p.Gly2083Asp; replaces glycine 2083 with aspartic acid.
Molecular consequence: missense variant.
Genome position (GRCh38, 1-based): chr18:58,498,097, C>T on the plus strand (G>A on the coding strand, the complement: ALPK2 is on the minus strand). VCF-style: chr18-58498097-C-T. GRCh37 (hg19) VCF-style: chr18-56165329-C-T.
Other names: short protein forms G2083D.
Identifiers: ClinVar variation 3228850 (VCV003228850.1), dbSNP rs2518851808, ClinGen allele CA402542000.

ClinVar aggregate classification (germline): Uncertain significance (1 of 4 stars; one submission).

Submission:

Ambry Genetics
Classification: Uncertain significance. Last evaluated: 2024-02-26. Review status: criteria provided, single submitter. Criteria: Ambry Variant Classification Scheme 2023. Collection method: clinical testing. Allele origin: germline.
Comment: The p.G2083D variant (also known as c.6248G>A) is located in coding exon 11 of the ALPK2 gene. The glycine at codon 2083 is replaced by aspartic acid, an amino acid with similar properties. This change occurs in the first base pair of coding exon 11. This amino acid position is conserved. In addition, this alteration is predicted to be tolerated by in silico analysis. Based on the available evidence, the clinical significance of this alteration remains unclear.